The following is an entry in ClinVar:

NM_000038.6(APC):c.1140GGCCAG[3] (p.380RA[3])

Gene: APC (APC regulator of Wnt signaling pathway; plus strand). Cytogenetic location: 5q22.2.
Variant type: Microsatellite.
Coding change: c.1140GGCCAG[3] on transcript NM_000038.6 (MANE Select); three copies in a row of the 6-base unit GGCCAG starting at c.1140; the reference has two copies in a row; one copy, 6 bases duplicated.
Protein change: p.380RA[3].
Molecular consequence: inframe insertion. On other transcripts: intron variant (4).
Genome position (GRCh38, 1-based): chr5:112,819,178-112,819,183, GGCCAG duplicated; duplicating any 6 consecutive bases within chr5:112,819,171-112,819,183 gives the same sequence; the position shown is the placement nearest the transcript's 3' end. VCF-style (leftmost placement, unchanged base first): chr5-112819170-C-CGGGCCA. GRCh37 (hg19) VCF-style: chr5-112154867-C-CGGGCCA.
Other names: c.1140GGCCAG[3], p.380RA[3] (NM_001127510.3, NM_001354895.2, NM_001354896.2); c.1086GGCCAG[3], p.362RA[3] (NM_001127511.3); c.1170GGCCAG[3], p.390RA[3] (NM_001354897.2); c.1065GGCCAG[3], p.355RA[3] (NM_001354898.2); c.1056GGCCAG[3], p.352RA[3] (NM_001354899.2); c.963GGCCAG[3], p.321RA[3] (NM_001354900.2, NM_001354901.2); c.291GGCCAG[3], p.97RA[3] (NM_001354906.2); c.964-98GGGCCA[3] (NM_001354902.2); and 4 more.
Identifiers: ClinVar variation 948827 (VCV000948827.13), dbSNP rs1762843056, ClinGen allele CA1573492316.
Genomic context (GRCh38, chr5:112,819,170, plus strand): 5'-TTACATGGCAATGACAAAGACTCTGTATTGTTGGGAAATTCCCGGGGCAGTAAAGAGGCT[C>CGGGCCA]GGGCCAGGGCCAGTGCAGCACTCCACAACATCATTCACTCACAGCCTGATGACAAGAGAG-3'

ClinVar aggregate classification (germline): Uncertain significance. Review status: criteria provided, multiple submitters, no conflicts (2 of 4 stars). 2 submissions from 2 submitters: Uncertain significance (2). Last evaluated 2021-08-02.

Conditions:
Hereditary cancer-predisposing syndrome. Also called: Hereditary neoplastic syndrome; Neoplastic Syndromes, Hereditary; Tumor predisposition; Hereditary Cancer Syndrome. Identifiers: Orphanet 140162, MedGen C0027672, MeSH D009386, MONDO:0015356.
Familial adenomatous polyposis 1 (FAP1). Also called: FAMILIAL ADENOMATOUS POLYPOSIS 1, ATTENUATED; POLYPOSIS, ADENOMATOUS INTESTINAL. Identifiers: MedGen C2713442, MONDO:0021056, OMIM 175100. Disease mechanism: loss of function.

Submissions (2):

Labcorp Genetics (formerly Invitae), Labcorp
Classification: Uncertain significance for Familial adenomatous polyposis 1. Last evaluated: 2021-08-02. Review status: criteria provided, single submitter. Criteria: Invitae Variant Classification Sherloc (09022015). Collection method: clinical testing. Allele origin: germline.
Comment: This variant, c.1146_1151dupGGCCAG, results in the insertion of 2 amino acids to the APC protein (p.Arg382_Ala383dup), but otherwise preserves the integrity of the reading frame. This variant is not present in population databases (ExAC no frequency). This variant has not been reported in the literature in individuals with APC-related disease. Experimental studies and prediction algorithms are not available for this variant, and the functional significance of the duplicated amino acids is currently unknown. In summary, the available evidence is currently insufficient to determine the role of this variant in disease. Therefore, it has been classified as a Variant of Uncertain Significance.

Ambry Genetics
Classification: Uncertain significance for Hereditary cancer-predisposing syndrome. Last evaluated: 2020-02-27. Review status: criteria provided, single submitter. Criteria: Ambry Variant Classification Scheme 2023. Collection method: clinical testing. Allele origin: germline.
Comment: The c.1146_1151dupGGCCAG variant (also known as p.R382_A383dup) is located in coding exon 9 of the APC gene. This variant results from an in-frame duplication of 6 nucleotides at positions 1146 to 1151. This results in the insertion of arginine and alanine amino acids between codons 382 and 383. This amino acid region is highly conserved in available vertebrate species. In addition, this alteration is predicted to be deleterious by in silico analysis (Choi Y et al. PLoS ONE. 2012; 7(10):e46688). Since supporting evidence is limited at this time, the clinical significance of this alteration remains unclear.